The following is an entry in ClinVar:

NM_017739.4(POMGNT1):c.1468T>G (p.Cys490Gly)

Genes: POMGNT1 (protein O-linked mannose N-acetylglucosaminyltransferase 1 (beta 1,2-); minus strand), TSPAN1 (tetraspanin 1; plus strand). Cytogenetic location: 1p34.1.
Variant type: single nucleotide variant.
Coding change: c.1468T>G on transcript NM_017739.4 (MANE Select); coding-DNA position 1468, T replaced by G.
Protein change: p.Cys490Gly; replaces cysteine 490 with glycine.
Molecular consequence: missense variant.
Genome position (GRCh38, 1-based): chr1:46,192,169, A>C on the plus strand (T>G on the coding strand, the complement: POMGNT1 is on the minus strand). VCF-style: chr1-46192169-A-C. GRCh37 (hg19) VCF-style: chr1-46657841-A-C.
Other names: c.1468T>G, p.Cys490Gly (NM_001243766.2, NM_001410783.1); c.1402T>G, p.Cys468Gly (NM_001290129.3); c.1039T>G, p.Cys347Gly (NM_001290130.2); short protein forms C468G, C347G, C490G.
Identifiers: ClinVar variation 2067831 (VCV002067831.5), dbSNP rs1657824312, ClinGen allele CA340173683.
Genomic context (GRCh38, chr1:46,192,169, plus strand): 5'-CATTCATGTTGAGGCCGACGATGCCAAAGTGGTAGGATCGGGAAACGTCAGGGATGATGC[A>C]CTCTCGGCCCCGGCGTTGTTCAGGCATCCGCATCCACATGTCCCAATCCCAGAGCTGGCA-3'
Protein context (NP_060209.4, residues 480-500): RMPEQRRGRE[Cys490Gly]IIPDVSRSYH

ClinVar aggregate classification (germline): Conflicting classifications of pathogenicity. Review status: criteria provided, conflicting classifications (1 of 4 stars). 2 submissions from 2 submitters: Likely pathogenic (1); Uncertain significance (1). Last evaluated 2026-07-16.

Conditions:
Autosomal recessive limb-girdle muscular dystrophy type 2O. Also called: Limb-Girdle Muscular Dystrophy Type 3C; MUSCULAR DYSTROPHY-DYSTROGLYCANOPATHY (LIMB-GIRDLE), TYPE C, 3; MUSCULAR DYSTROPHY-DYSTROGLYCANOPATHY, LIMB-GIRDLE, POMGNT1-RELATED. Identifiers: Orphanet 206564, MedGen C3150417, MONDO:0013161, OMIM 613157.
Muscular dystrophy-dystroglycanopathy (congenital with impaired intellectual development), type B, 3. Also called: Muscular dystrophy-dystroglycanopathy (congenital with intellectual disability), type B3; MUSCULAR DYSTROPHY, CONGENITAL, POMGNT1-RELATED. Identifiers: MedGen C3150412, MONDO:0013155, OMIM 613151.
Myopathy caused by variation in POMGNT1. Identifiers: MedGen CN305639, MONDO:0700068.

Allele frequency attached by ClinVar (database versions not stated): TOPMed below 0.00001; gnomAD 0.00001.
gnomAD v4.1: 1 of 1,613,790 alleles (0.000062%); highest among the groups gnomAD compares: African/African-American, 0.0013%; no homozygotes.

Submissions (2):

Myriad Genetics, Inc.
Classification: Uncertain significance for Myopathy caused by variation in POMGNT1. Last evaluated: 2026-07-16. Review status: criteria provided, single submitter. Criteria: Myriad Autosomal Dominant, Autosomal Recessive and X-Linked Classification Criteria (2023). Collection method: clinical testing. Allele origin: unknown.
Comment: NM_017739.3(POMGNT1):c.1468T>G(C490G) is a missense variant classified as a variant of uncertain significance in the context of POMGNT1-related disorders. C490G has not been observed in cases with relevant disease. Relevant functional assessments of this variant are not available in the literature. C490G has not been observed in referenced population frequency databases. In summary, there is insufficient evidence to classify NM_017739.3(POMGNT1):c.1468T>G(C490G) as pathogenic or benign. Please note: this variant was assessed in the context of healthy population screening.

Labcorp Genetics (formerly Invitae), Labcorp
Classification: Likely pathogenic for Autosomal recessive limb-girdle muscular dystrophy type 2O; Muscular dystrophy-dystroglycanopathy (congenital with impaired intellectual development), type B, 3. Last evaluated: 2022-01-23. Review status: criteria provided, single submitter. Criteria: Invitae Variant Classification Sherloc (09022015). Collection method: clinical testing. Allele origin: germline.
Comment: In summary, the currently available evidence indicates that the variant is pathogenic, but additional data are needed to prove that conclusively. Therefore, this variant has been classified as Likely Pathogenic. This variant disrupts the p.Cys490 amino acid residue in POMGNT1. Other variant(s) that disrupt this residue have been determined to be pathogenic (PMID: 15466003, 17030669, 17559086, 17878207, 21361872, 22323514, 24282183). This suggests that this residue is clinically significant, and that variants that disrupt this residue are likely to be disease-causing. Advanced modeling of protein sequence and biophysical properties (such as structural, functional, and spatial information, amino acid conservation, physicochemical variation, residue mobility, and thermodynamic stability) performed at Invitae indicates that this missense variant is expected to disrupt POMGNT1 protein function. This variant has not been reported in the literature in individuals affected with POMGNT1-related conditions. This variant is not present in population databases (gnomAD no frequency). This sequence change replaces cysteine, which is neutral and slightly polar, with glycine, which is neutral and non-polar, at codon 490 of the POMGNT1 protein (p.Cys490Gly).

Literature cited by the submitters: PubMed 15466003 (cited by Labcorp Genetics (formerly Invitae), Labcorp); PubMed 17030669 (cited by Labcorp Genetics (formerly Invitae), Labcorp); PubMed 17559086 (cited by Labcorp Genetics (formerly Invitae), Labcorp); PubMed 17878207 (cited by Labcorp Genetics (formerly Invitae), Labcorp); PubMed 21361872 (cited by Labcorp Genetics (formerly Invitae), Labcorp); PubMed 22323514 (cited by Labcorp Genetics (formerly Invitae), Labcorp); PubMed 24282183 (cited by Labcorp Genetics (formerly Invitae), Labcorp).